The following is an entry in ClinVar:

ClinVar aggregate classification (germline): Uncertain significance (1 of 4 stars; one submission).

Conditions:
Spermatogenic failure 18. Identifiers: MedGen C4539783, MONDO:0054615, OMIM 617576.
Ciliary dyskinesia, primary, 37 (CILD37). Also called: CILIARY DYSKINESIA, PRIMARY, 37, WITH OR WITHOUT SITUS INVERSUS. Identifiers: MedGen C4539798, MONDO:0033204, OMIM 617577.

Allele frequency attached by ClinVar (database versions not stated): gnomAD exomes 0.00001; ExAC 0.00003; gnomAD 0.00003; TOPMed 0.00004; 1000 Genomes Project 30x 0.00016; 1000 Genomes Project 0.00020.
gnomAD v4.1: 15 of 1,613,612 alleles (0.00093%); highest among the groups gnomAD compares: African/African-American, 0.0093%; no homozygotes.

Submission:

Labcorp Genetics (formerly Invitae), Labcorp
Classification: Uncertain significance for Ciliary dyskinesia, primary, 37; Spermatogenic failure 18. Last evaluated: 2022-07-30. Review status: criteria provided, single submitter. Criteria: Invitae Variant Classification Sherloc (09022015). Collection method: clinical testing. Allele origin: germline.
Comment: In summary, the available evidence is currently insufficient to determine the role of this variant in disease. Therefore, it has been classified as a Variant of Uncertain Significance. Algorithms developed to predict the effect of missense changes on protein structure and function are either unavailable or do not agree on the potential impact of this missense change (SIFT: "Deleterious"; PolyPhen-2: "Probably Damaging"; Align-GVGD: "Class C0"). This variant has not been reported in the literature in individuals affected with DNAH1-related conditions. This variant is present in population databases (rs542699983, gnomAD 0.01%). This sequence change replaces valine, which is neutral and non-polar, with methionine, which is neutral and non-polar, at codon 3466 of the DNAH1 protein (p.Val3466Met).

NM_015512.5(DNAH1):c.10396G>A (p.Val3466Met)

Gene: DNAH1 (dynein axonemal heavy chain 1; plus strand). Cytogenetic location: 3p21.1.
Variant type: single nucleotide variant.
Coding change: c.10396G>A on transcript NM_015512.5 (MANE Select); coding-DNA position 10396, G replaced by A.
Protein change: p.Val3466Met; replaces valine 3466 with methionine.
Molecular consequence: missense variant.
Genome position (GRCh38, 1-based): chr3:52,392,947, G>A. VCF-style: chr3-52392947-G-A. GRCh37 (hg19) VCF-style: chr3-52426963-G-A.
Other names: short protein forms V3466M.
Identifiers: ClinVar variation 2427851 (VCV002427851.7), dbSNP rs542699983, ClinGen allele CA2435824.